The following is an entry in ClinVar:

ClinVar aggregate classification (germline): Uncertain significance (1 of 4 stars; one submission).

Conditions:
Combined immunodeficiency due to LRBA deficiency. Also called: Common variable immunodeficiency 8, with autoimmunity. Identifiers: Orphanet 445018, MedGen C3553512, MONDO:0013863, OMIM 614700.

Allele frequency attached by ClinVar (database versions not stated): gnomAD exomes 0.00001 and 0.00002; ExAC 0.00002; TOPMed 0.00002; gnomAD 0.00001.
gnomAD v4.1: 10 of 1,613,692 alleles (0.00062%); highest among the groups gnomAD compares: East Asian, 0.0045%; no homozygotes.

Submission:

Labcorp Genetics (formerly Invitae), Labcorp
Classification: Uncertain significance for Combined immunodeficiency due to LRBA deficiency. Last evaluated: 2020-02-07. Review status: criteria provided, single submitter. Criteria: Invitae Variant Classification Sherloc (09022015). Collection method: clinical testing. Allele origin: germline.
Comment: In summary, the available evidence is currently insufficient to determine the role of this variant in disease. Therefore, it has been classified as a Variant of Uncertain Significance. This sequence change replaces arginine with glutamine at codon 424 of the LRBA protein (p.Arg424Gln). The arginine residue is weakly conserved and there is a small physicochemical difference between arginine and glutamine. This variant is present in population databases (rs758011413, ExAC 0.01%). This variant has not been reported in the literature in individuals with LRBA-related conditions. Algorithms developed to predict the effect of missense changes on protein structure and function are either unavailable or do not agree on the potential impact of this missense change (SIFT: "Tolerated"; PolyPhen-2: "Probably Damaging"; Align-GVGD: "Class C0"). Algorithms developed to predict the effect of sequence changes on RNA splicing suggest that this variant may create or strengthen a splice site, but this prediction has not been confirmed by published transcriptional studies.

NM_001364905.1(LRBA):c.1271G>A (p.Arg424Gln)

Gene: LRBA (LPS responsive beige-like anchor protein; minus strand). Cytogenetic location: 4q31.3.
Variant type: single nucleotide variant.
Coding change: c.1271G>A on transcript NM_001364905.1 (MANE Select); coding-DNA position 1271, G replaced by A.
Protein change: p.Arg424Gln; replaces arginine 424 with glutamine.
Molecular consequence: missense variant.
Genome position (GRCh38, 1-based): chr4:150,908,748, C>T on the plus strand (G>A on the coding strand, the complement: LRBA is on the minus strand). VCF-style: chr4-150908748-C-T. GRCh37 (hg19) VCF-style: chr4-151829900-C-T.
Other names: c.1271G>A, p.Arg424Gln (NM_001199282.3, NM_001367550.1, NM_006726.5); short protein forms R424Q.
Identifiers: ClinVar variation 945057 (VCV000945057.8), dbSNP rs758011413, ClinGen allele CA3103625.